The following is an entry in ClinVar:

ClinVar aggregate classification (germline): Benign (0 of 4 stars; one submission).

Conditions:
SPEN-related disorder. Also called: SPEN-related condition.

Allele frequency attached by ClinVar (database versions not stated): 1000 Genomes Project 0.01058; 1000 Genomes Project 30x 0.01062; TOPMed 0.01367; gnomAD 0.01532; ESP Exome Variant Server 0.01569; ExAC 0.01935.
gnomAD v4.1: 30,653 of 1,614,092 alleles (1.9%); highest among the groups gnomAD compares: South Asian, 2.6%; 365 homozygotes.

Submission:

PreventionGenetics, part of Exact Sciences
Classification: Benign for SPEN-related condition. Last evaluated: 2024-04-24. Review status: no assertion criteria provided. Collection method: clinical testing. Allele origin: germline.
Comment: This variant is classified as benign based on ACMG/AMP sequence variant interpretation guidelines (Richards et al. 2015 PMID: 25741868, with internal and published modifications).

NM_015001.3(SPEN):c.9079C>A (p.Arg3027=)

Gene: SPEN (spen family transcriptional repressor; plus strand). Cytogenetic location: 1p36.13.
Variant type: single nucleotide variant.
Coding change: c.9079C>A on transcript NM_015001.3 (MANE Select); coding-DNA position 9079, C replaced by A.
Protein change: p.Arg3027=; no amino-acid change (arginine 3027 retained).
Molecular consequence: synonymous variant.
Genome position (GRCh38, 1-based): chr1:15,935,319, C>A. VCF-style: chr1-15935319-C-A. GRCh37 (hg19) VCF-style: chr1-16261814-C-A.
Identifiers: ClinVar variation 3037211 (VCV003037211.2), dbSNP rs41269151, ClinGen allele CA620404.